The following is an entry in ClinVar:

NM_000257.4(MYH7):c.2796G>T (p.Met932Ile)

Gene: MYH7 (myosin heavy chain 7; minus strand). Cytogenetic location: 14q11.2.
Variant type: single nucleotide variant.
Coding change: c.2796G>T on transcript NM_000257.4 (MANE Select); coding-DNA position 2796, G replaced by T.
Protein change: p.Met932Ile; replaces methionine 932 with isoleucine.
Molecular consequence: missense variant.
Genome position (GRCh38, 1-based): chr14:23,424,033, C>A on the plus strand (G>T on the coding strand, the complement: MYH7 is on the minus strand). VCF-style: chr14-23424033-C-A. GRCh37 (hg19) VCF-style: chr14-23893242-C-A.
Other names: c.2796G>T, p.Met932Ile (NM_001407004.1); short protein forms M932I.
Identifiers: ClinVar variation 3698583 (VCV003698583.2).

ClinVar aggregate classification (germline): Uncertain significance (1 of 4 stars; one submission).

Conditions:
Hypertrophic cardiomyopathy. Also called: HYPERTROPHIC MYOCARDIOPATHY. Identifiers: Orphanet 217569, MedGen C0007194, MeSH D002312, MONDO:0005045, HP:0001639.

gnomAD v4.1: 1 of 1,614,252 alleles (0.000062%); no homozygotes.

Submission:

Labcorp Genetics (formerly Invitae), Labcorp
Classification: Uncertain significance for Hypertrophic cardiomyopathy. Last evaluated: 2024-12-24. Review status: criteria provided, single submitter. Criteria: Invitae Variant Classification Sherloc (09022015). Collection method: clinical testing. Allele origin: germline.
Comment: This sequence change replaces methionine, which is neutral and non-polar, with isoleucine, which is neutral and non-polar, at codon 932 of the MYH7 protein (p.Met932Ile). This variant is not present in population databases (gnomAD no frequency). This variant has not been reported in the literature in individuals affected with MYH7-related conditions. Invitae Evidence Modeling of protein sequence and biophysical properties (such as structural, functional, and spatial information, amino acid conservation, physicochemical variation, residue mobility, and thermodynamic stability) indicates that this missense variant is not expected to disrupt MYH7 protein function with a negative predictive value of 95%. In summary, the available evidence is currently insufficient to determine the role of this variant in disease. Therefore, it has been classified as a Variant of Uncertain Significance.